The following is an entry in ClinVar:

ClinVar aggregate classification (germline): Likely benign. Review status: criteria provided, single submitter (1 of 4 stars). 2 submissions from 2 submitters: Likely benign (1). 1 of the submissions does not count toward it. Last evaluated 2025-11-11.

Conditions:
ZFYVE27-related disorder. Also called: ZFYVE27-related condition.
Spastic paraplegia. Identifiers: MedGen C0037772, HP:0001258.

Allele frequency attached by ClinVar (database versions not stated): ESP Exome Variant Server 0.00008; TOPMed 0.00021; gnomAD 0.00026 and 0.00028; gnomAD exomes 0.00027; ExAC 0.00028; 1000 Genomes Project 0.00040; 1000 Genomes Project 30x 0.00047.
gnomAD v4.1: 159 of 1,614,010 alleles (0.0099%); highest among the groups gnomAD compares: East Asian, 0.11%; 1 homozygote.

Submissions (2):

Labcorp Genetics (formerly Invitae), Labcorp
Classification: Likely benign for Spastic paraplegia. Last evaluated: 2025-11-11. Review status: criteria provided, single submitter. Criteria: Invitae Variant Classification Sherloc (09022015). Collection method: clinical testing. Allele origin: germline.

PreventionGenetics, part of Exact Sciences
Classification: Likely benign for ZFYVE27-related condition. Last evaluated: 2020-01-27. Review status: no assertion criteria provided. Collection method: clinical testing. Allele origin: germline. Not counted in ClinVar's aggregate classification.
Comment: This variant is classified as likely benign based on ACMG/AMP sequence variant interpretation guidelines (Richards et al. 2015 PMID: 25741868, with internal and published modifications).

NM_001385875.1(ZFYVE27):c.541G>A (p.Val181Met)

Gene: ZFYVE27 (zinc finger FYVE-type containing 27; plus strand). Cytogenetic location: 10q24.2.
Variant type: single nucleotide variant.
Coding change: c.541G>A on transcript NM_001385875.1 (MANE Select); coding-DNA position 541, G replaced by A.
Protein change: p.Val181Met; replaces valine 181 with methionine.
Molecular consequence: missense variant. On other transcripts: non-coding transcript variant (13), intron variant (6).
Genome position (GRCh38, 1-based): chr10:97,748,354, G>A. VCF-style: chr10-97748354-G-A. GRCh37 (hg19) VCF-style: chr10-99508111-G-A.
Other names: c.541G>A, p.Val181Met (NM_001002261.4, NM_001002262.4, NM_001385871.1 and 8 more transcripts); c.445G>A, p.Val149Met (NM_001174119.2, NM_001385885.1, NM_001385887.1 and 1 more transcripts); c.283G>A, p.Val95Met (NM_001174120.2, NM_001385901.1, NM_001385902.1 and 3 more transcripts); c.247G>A, p.Val83Met (NM_001174121.2, NM_001385915.1); c.580G>A, p.Val194Met (NM_001385876.1); c.505G>A, p.Val169Met (NM_001385881.1); c.337G>A, p.Val113Met (NM_001385890.1, NM_001385891.1, NM_001385892.1 and 6 more transcripts); c.304G>A, p.Val102Met (NM_001385899.1, NM_001385900.1, NM_001385903.1 and 2 more transcripts); and 5 more; short protein forms V102M, V113M, V149M, V169M, V181M, V194M, V83M, V95M.
Identifiers: ClinVar variation 1081471 (VCV001081471.11), dbSNP rs150951341, ClinGen allele CA5635199.